The following is an entry in ClinVar:

NM_000278.5(PAX2):c.1029G>C (p.Glu343Asp)

Gene: PAX2 (paired box 2; plus strand). Cytogenetic location: 10q24.31.
Variant type: single nucleotide variant.
Coding change: c.1029G>C on transcript NM_000278.5 (MANE Select); coding-DNA position 1029, G replaced by C.
Protein change: p.Glu343Asp; replaces glutamic acid 343 with aspartic acid.
Molecular consequence: missense variant.
Genome position (GRCh38, 1-based): chr10:100,827,016, G>C. VCF-style: chr10-100827016-G-C. GRCh37 (hg19) VCF-style: chr10-102586773-G-C.
Other names: c.1122G>C, p.Glu374Asp (NM_001304569.2); c.1098G>C, p.Glu366Asp (NM_003987.5, NM_003990.5); c.1112G>C, p.Ser371Thr (NM_003988.5); c.1029G>C, p.Glu343Asp (NM_003989.5); short protein forms E374D, E343D, E366D, S371T.
Identifiers: ClinVar variation 1047482 (VCV001047482.6), dbSNP rs370756373, ClinGen allele CA5650986.
Genomic context (GRCh38, chr10:100,827,016, plus strand): 5'-GGGTCCGCCCTGGCTTGCAGGCGTCTGATCCCCACTCCCCGACCCTCCCGCAGGGAGCGA[G>C]TTCTCCGGCAACCCGTACAGCCACCCCCAGTACACGGCCTACAACGAGGCTTGGAGATTC-3'
Protein context (NP_000269.3, residues 333-353): STLAGMVPGS[Glu343Asp]FSGNPYSHPQ

ClinVar aggregate classification (germline): Uncertain significance (1 of 4 stars; one submission).

Conditions:
Renal coloboma syndrome (PAPRS). Also called: OPTIC COLOBOMA, VESICOURETERAL REFLUX, AND RENAL ANOMALIES; OPTIC NERVE COLOBOMA WITH RENAL DISEASE; RENAL-COLOBOMA SYNDROME WITH MACULAR ABNORMALITIES; PAPILLORENAL SYNDROME; PAPILLORENAL SYNDROME WITH MILD OCULAR ABNORMALITIES; COLOBOMA OF OPTIC NERVE WITH RENAL DISEASE. Identifiers: Orphanet 1475, MedGen C1852759, MONDO:0007352, OMIM 120330.
Focal segmental glomerulosclerosis 7 (FSGS7). Identifiers: Orphanet 656, MedGen C4014925, MONDO:0014451, OMIM 616002.

Allele frequency attached by ClinVar (database versions not stated): gnomAD 0.00001; gnomAD exomes 0.00002; TOPMed 0.00002.
gnomAD v4.1: 28 of 1,612,964 alleles (0.0017%); highest among the groups gnomAD compares: Non-Finnish European, 0.0024%; no homozygotes.

Submission:

Labcorp Genetics (formerly Invitae), Labcorp
Classification: Uncertain significance for Renal coloboma syndrome; Focal segmental glomerulosclerosis 7. Last evaluated: 2022-04-28. Review status: criteria provided, single submitter. Criteria: Invitae Variant Classification Sherloc (09022015). Collection method: clinical testing. Allele origin: germline.
Comment: This variant is present in population databases (rs370756373, gnomAD 0.0009%). In summary, the available evidence is currently insufficient to determine the role of this variant in disease. Therefore, it has been classified as a Variant of Uncertain Significance. Algorithms developed to predict the effect of missense changes on protein structure and function are either unavailable or do not agree on the potential impact of this missense change (SIFT: "Not Available"; PolyPhen-2: "Benign"; Align-GVGD: "Not Available"). ClinVar contains an entry for this variant (Variation ID: 1047482). This variant has not been reported in the literature in individuals affected with PAX2-related conditions. This sequence change replaces serine, which is neutral and polar, with threonine, which is neutral and polar, at codon 371 of the PAX2 protein (p.Ser371Thr).